The following is an entry in ClinVar:

NM_014753.4(BMS1):c.2396A>G (p.Asn799Ser)

Gene: BMS1 (BMS1 ribosome biogenesis factor; plus strand). Cytogenetic location: 10q11.21.
Variant type: single nucleotide variant.
Coding change: c.2396A>G on transcript NM_014753.4 (MANE Select); coding-DNA position 2396, A replaced by G.
Protein change: p.Asn799Ser; replaces asparagine 799 with serine.
Molecular consequence: missense variant.
Genome position (GRCh38, 1-based): chr10:42,816,665, A>G. VCF-style: chr10-42816665-A-G. GRCh37 (hg19) VCF-style: chr10-43312113-A-G.
Other names: short protein forms N799S.
Identifiers: ClinVar variation 730705 (VCV000730705.8), dbSNP rs147307707, ClinGen allele CA5476002.

ClinVar aggregate classification (germline): Conflicting classifications of pathogenicity. Review status: criteria provided, conflicting classifications (1 of 4 stars). 4 submissions from 4 submitters: Uncertain significance (1); Likely benign (2). 1 of the submissions does not count toward it. Last evaluated 2025-08-07.

Conditions:
BMS1-related disorder. Also called: BMS1-related condition.

Allele frequency attached by ClinVar (database versions not stated): gnomAD exomes 0.00028 and 0.00047; ExAC 0.00051; gnomAD 0.00085 and 0.00091; 1000 Genomes Project 0.00100; TOPMed 0.00110; 1000 Genomes Project 30x 0.00141; ESP Exome Variant Server 0.00169.
gnomAD v4.1: 551 of 1,611,326 alleles (0.034%); highest among the groups gnomAD compares: African/African-American, 0.28%; 1 homozygote.

Submissions (4):

Ambry Genetics
Classification: Uncertain significance. Last evaluated: 2025-08-07. Review status: criteria provided, single submitter. Criteria: Ambry Variant Classification Scheme 2023. Collection method: clinical testing. Allele origin: germline.

Labcorp Genetics (formerly Invitae), Labcorp
Classification: Likely benign. Last evaluated: 2019-12-31. Review status: criteria provided, single submitter. Criteria: Invitae Variant Classification Sherloc (09022015). Collection method: clinical testing. Allele origin: germline.

Breakthrough Genomics
Classification: Likely benign. Review status: criteria provided, single submitter. Criteria: ACMG Guidelines, 2015. Collection method: not provided. Allele origin: germline. Inheritance: Autosomal dominant inheritance. Affected: yes.

PreventionGenetics, part of Exact Sciences
Classification: Likely benign for BMS1-related condition. Last evaluated: 2020-02-19. Review status: no assertion criteria provided. Collection method: clinical testing. Allele origin: germline. Not counted in ClinVar's aggregate classification.
Comment: This variant is classified as likely benign based on ACMG/AMP sequence variant interpretation guidelines (Richards et al. 2015 PMID: 25741868, with internal and published modifications).